The following is an entry in ClinVar:

ClinVar aggregate classification (germline): Uncertain significance. Review status: criteria provided, multiple submitters, no conflicts (2 of 4 stars). 2 submissions from 2 submitters: Uncertain significance (2). Last evaluated 2022-11-18.

Conditions:
Inborn genetic diseases. Identifiers: MedGen C0950123, MeSH D030342.

Allele frequency attached by ClinVar (database versions not stated): TOPMed below 0.00001; ExAC 0.00002.
gnomAD v4.1: 4 of 1,613,820 alleles (0.00025%); highest among the groups gnomAD compares: East Asian, 0.0089%; no homozygotes.

Submissions (2):

Ambry Genetics
Classification: Uncertain significance for Inborn genetic diseases. Last evaluated: 2022-11-18. Review status: criteria provided, single submitter. Criteria: Ambry Variant Classification Scheme 2023. Collection method: clinical testing. Allele origin: germline.

Labcorp Genetics (formerly Invitae), Labcorp
Classification: Uncertain significance. Last evaluated: 2022-09-19. Review status: criteria provided, single submitter. Criteria: Invitae Variant Classification Sherloc (09022015). Collection method: clinical testing. Allele origin: germline.
Comment: In summary, the available evidence is currently insufficient to determine the role of this variant in disease. Therefore, it has been classified as a Variant of Uncertain Significance. Algorithms developed to predict the effect of missense changes on protein structure and function (SIFT, PolyPhen-2, Align-GVGD) all suggest that this variant is likely to be disruptive. This variant has not been reported in the literature in individuals affected with ADAMTS10-related conditions. This variant is present in population databases (rs782503453, gnomAD 0.02%). This sequence change replaces glycine, which is neutral and non-polar, with aspartic acid, which is acidic and polar, at codon 588 of the ADAMTS10 protein (p.Gly588Asp).

NM_030957.4(ADAMTS10):c.1763G>A (p.Gly588Asp)

Gene: ADAMTS10 (ADAM metallopeptidase with thrombospondin type 1 motif 10; minus strand). Cytogenetic location: 19p13.2.
Variant type: single nucleotide variant.
Coding change: c.1763G>A on transcript NM_030957.4 (MANE Select); coding-DNA position 1763, G replaced by A.
Protein change: p.Gly588Asp; replaces glycine 588 with aspartic acid.
Molecular consequence: missense variant.
Genome position (GRCh38, 1-based): chr19:8,591,834, C>T on the plus strand (G>A on the coding strand, the complement: ADAMTS10 is on the minus strand). VCF-style: chr19-8591834-C-T. GRCh37 (hg19) VCF-style: chr19-8656718-C-T.
Other names: c.1763G>A (NM_030957.2); c.235G>A, p.Val79Met (NM_001282352.2); short protein forms G588D, V79M.
Identifiers: ClinVar variation 2189958 (VCV002189958.5), dbSNP rs782503453, ClinGen allele CA9160377.